The following is an entry in ClinVar:

NM_000179.3(MSH6):c.1264del (p.Asp422fs)

Gene: MSH6 (mutS homolog 6; plus strand). Cytogenetic location: 2p16.3.
Variant type: Deletion.
Coding change: c.1264del on transcript NM_000179.3 (MANE Select); coding-DNA position 1264, one base deleted (G; older notation c.1264delG).
Protein change: p.Asp422fs; shifts the reading frame from aspartic acid 422.
Molecular consequence: frameshift variant.
Genome position (GRCh38, 1-based): chr2:47,799,247, G deleted. VCF-style (leftmost placement, unchanged base first): chr2-47799246-TG-T. GRCh37 (hg19) VCF-style: chr2-48026385-TG-T.
Other names: c.358delG, p.Asp120Ilefs (NM_001406829.1, NM_001406811.1, NM_001406812.1 and 4 more transcripts); c.967delG, p.Asp323Ilefs (NM_001406830.1, NM_001406797.1, NM_001406801.1 and 10 more transcripts); c.874del, p.Asp292fs (NM_001281492.2); c.358del, p.Asp120fs (NM_001281493.2, NM_001281494.2); c.1360delG, p.Asp454Ilefs (NM_001406795.1, NM_001406802.1); c.1264delG, p.Asp422Ilefs (NM_001406796.1, NM_001406798.1, NM_001406800.1 and 4 more transcripts); c.739delG, p.Asp247Ilefs (NM_001406799.1, NM_001406806.1, NM_001406807.1); c.1186delG, p.Asp396Ilefs (NM_001406804.1); and 2 more; short protein forms D292fs, D422fs, D120fs.
Identifiers: ClinVar variation 1763849 (VCV001763849.2), dbSNP rs2530600039, ClinGen allele CA2580067539.
Genomic context (GRCh38, chr2:47,799,246, plus strand): 5'-TTTCCTCAATTCTTGTACTCCTGGGATGAGGAAGTGGTGGCAGATTAAGTCTCAGAACTT[TG>T]ATCTTGTCATCTGTTACAAGGTGGGGAAATTTTATGAGCTGTACCACATGGATGCTCTTA-3'

ClinVar aggregate classification (germline): Pathogenic (1 of 4 stars; one submission).

Conditions:
Hereditary cancer-predisposing syndrome. Also called: Neoplastic Syndromes, Hereditary; Tumor predisposition; Hereditary Cancer Syndrome; Hereditary neoplastic syndrome. Identifiers: Orphanet 140162, MedGen C0027672, MeSH D009386, MONDO:0015356.

Submission:

Ambry Genetics
Classification: Pathogenic for Hereditary cancer-predisposing syndrome. Last evaluated: 2020-08-31. Review status: criteria provided, single submitter. Criteria: Ambry Variant Classification Scheme 2023. Collection method: clinical testing. Allele origin: germline.
Comment: The c.1264delG pathogenic mutation, located in coding exon 4 of the MSH6 gene, results from a deletion of one nucleotide at nucleotide position 1264, causing a translational frameshift with a predicted alternate stop codon (p.D422Ifs*31). This alteration is expected to result in loss of function by premature protein truncation or nonsense-mediated mRNA decay. As such, this alteration is interpreted as a disease-causing mutation.